The following is an entry in ClinVar:

ClinVar aggregate classification (germline): Pathogenic (1 of 4 stars; one submission).

Submission:

Labcorp Genetics (formerly Invitae), Labcorp
Classification: Pathogenic. Last evaluated: 2023-04-26. Review status: criteria provided, single submitter. Criteria: Invitae Variant Classification Sherloc (09022015). Collection method: clinical testing. Allele origin: germline.
Comment: This sequence change creates a premature translational stop signal (p.Leu1651Tyrfs*28) in the EYS gene. It is expected to result in an absent or disrupted protein product. Loss-of-function variants in EYS are known to be pathogenic (PMID: 18836446, 20333770). This variant is not present in population databases (gnomAD no frequency). For these reasons, this variant has been classified as Pathogenic. This variant has not been reported in the literature in individuals affected with EYS-related conditions.

Literature cited by the submitters: PubMed 18836446; PubMed 20333770.

NM_001142800.2(EYS):c.4951del (p.Leu1651fs)

Gene: EYS (EGF-like photoreceptor maintenance factor; minus strand). Cytogenetic location: 6q12.
Variant type: Deletion.
Coding change: c.4951del on transcript NM_001142800.2 (MANE Select); coding-DNA position 4951, one base deleted (C; older notation c.4951delC).
Protein change: p.Leu1651fs; shifts the reading frame from leucine 1651.
Molecular consequence: frameshift variant.
Genome position (GRCh38, 1-based): chr6:64,590,916, G deleted on the plus strand (C on the coding strand, the reverse complement: EYS is on the minus strand); the first of 3 consecutive G bases (chr6:64,590,916-64,590,918); deleting any one gives the same sequence. VCF-style (leftmost placement, unchanged base first): chr6-64590915-AG-A. GRCh37 (hg19) VCF-style: chr6-65300808-AG-A.
Other names: c.4951del, p.Leu1651fs (NM_001292009.2); short protein forms L1651fs.
Identifiers: ClinVar variation 2859333 (VCV002859333.3), dbSNP rs2533151606, ClinGen allele CA2739273167.